The following is an entry in ClinVar:

NM_004415.4(DSP):c.7490G>A (p.Cys2497Tyr)

Gene: DSP (desmoplakin; plus strand). Cytogenetic location: 6p24.3.
Variant type: single nucleotide variant.
Coding change: c.7490G>A on transcript NM_004415.4 (MANE Select); coding-DNA position 7490, G replaced by A.
Protein change: p.Cys2497Tyr; replaces cysteine 2497 with tyrosine.
Molecular consequence: missense variant.
Genome position (GRCh38, 1-based): chr6:7,584,752, G>A. VCF-style: chr6-7584752-G-A. GRCh37 (hg19) VCF-style: chr6-7584985-G-A.
Other names: c.5693G>A, p.Cys1898Tyr (NM_001008844.3); c.6161G>A, p.Cys2054Tyr (NM_001319034.2); short protein forms C2054Y, C2497Y, C1898Y.
Identifiers: ClinVar variation 4785655 (VCV004785655.1).
Genomic context (GRCh38, chr6:7,584,752, plus strand): 5'-TGTCTGTTCAGGAGGCCTACAAGAAGGGCCTAATTGATTATGAAACCTTCAAAGAACTGT[G>A]TGAGCAGGAATGTGAATGGGAAGAAATAACCATCACGGGATCAGATGGCTCCACCAGGGT-3'
Protein context (NP_004406.2, residues 2487-2507): LIDYETFKEL[Cys2497Tyr]EQECEWEEIT

ClinVar aggregate classification (germline): Uncertain significance (1 of 4 stars; one submission).

Conditions:
Arrhythmogenic cardiomyopathy with wooly hair and keratoderma. Also called: Carvajal syndrome; PALMOPLANTAR KERATODERMA WITH LEFT VENTRICULAR CARDIOMYOPATHY AND WOOLLY HAIR; Dilated cardiomyopathy with woolly hair and keratoderma; Arrhythmogenic cardiomyopathy with woolly hair and keratoderma. Identifiers: Orphanet 65282, MedGen C1854063, MONDO:0011581, OMIM 605676.
Arrhythmogenic right ventricular dysplasia 8 (ARVD8). Also called: Arrhythmogenic Right Ventricular Dysplasia/Cardiomyopathy 8; ARRHYTHMOGENIC RIGHT VENTRICULAR DYSPLASIA, FAMILIAL, 8; ARRHYTHMOGENIC RIGHT VENTRICULAR CARDIOMYOPATHY 8. Identifiers: MedGen C1843896, MONDO:0011831, OMIM 607450.

Submission:

Labcorp Genetics (formerly Invitae), Labcorp
Classification: Uncertain significance for Arrhythmogenic cardiomyopathy with wooly hair and keratoderma; Arrhythmogenic right ventricular dysplasia 8. Last evaluated: 2025-08-20. Review status: criteria provided, single submitter. Criteria: Invitae Variant Classification Sherloc (09022015). Collection method: clinical testing. Allele origin: germline.
Comment: This sequence change replaces cysteine, which is neutral and slightly polar, with tyrosine, which is neutral and polar, at codon 2497 of the DSP protein (p.Cys2497Tyr). This variant is not present in population databases (gnomAD no frequency). This variant has not been reported in the literature in individuals affected with DSP-related conditions. An algorithm developed to predict the effect of missense changes on protein structure and function (PolyPhen-2) suggests that this variant is likely to be tolerated. In summary, the available evidence is currently insufficient to determine the role of this variant in disease. Therefore, it has been classified as a Variant of Uncertain Significance.